The following is an entry in ClinVar:

NM_025137.4(SPG11):c.56C>T (p.Thr19Ile)

Gene: SPG11 (SPG11 vesicle trafficking associated, spatacsin; minus strand). Cytogenetic location: 15q21.1.
Variant type: single nucleotide variant.
Coding change: c.56C>T on transcript NM_025137.4 (MANE Select); coding-DNA position 56, C replaced by T.
Protein change: p.Thr19Ile; replaces threonine 19 with isoleucine.
Molecular consequence: missense variant.
Genome position (GRCh38, 1-based): chr15:44,663,592, G>A on the plus strand (C>T on the coding strand, the complement: SPG11 is on the minus strand). VCF-style: chr15-44663592-G-A. GRCh37 (hg19) VCF-style: chr15-44955790-G-A.
Other names: c.56C>T, p.Thr19Ile (NM_001160227.2); short protein forms T19I.
Identifiers: ClinVar variation 452398 (VCV000452398.4), dbSNP rs1555384052, ClinGen allele CA392238860.

ClinVar aggregate classification (germline): Uncertain significance. Review status: criteria provided, multiple submitters, no conflicts (2 of 4 stars). 2 submissions from 2 submitters: Uncertain significance (2). Last evaluated 2022-12-01.

Conditions:
Inborn genetic diseases. Identifiers: MedGen C0950123, MeSH D030342.

Submissions (2):

Ambry Genetics
Classification: Uncertain significance for Inborn genetic diseases. Last evaluated: 2022-12-01. Review status: criteria provided, single submitter. Criteria: Ambry Variant Classification Scheme 2023. Collection method: clinical testing. Allele origin: germline.

GeneDx
Classification: Uncertain significance. Last evaluated: 2017-09-28. Review status: criteria provided, single submitter. Criteria: GeneDx Variant Classification (06012015). Collection method: clinical testing. Allele origin: germline. Affected: yes.
Comment: A variant of uncertain significance has been identified in the SPG11 gene. The T19I variant has not been published as a pathogenic variant, nor has it been reported as a benign variant to our knowledge. The T19I variant is not observed in large population cohorts (Lek et al., 2016). The T19I variant is a non-conservative amino acid substitution, which is likely to impact secondary protein structure as these residues differ in polarity, charge, size and/or other properties. However, this substitution occurs at a position that is not conserved; and in silico analysis predicts this variant likely does not alter the protein structure/function. Therefore, based on the currently available information, it is unclear whether this variant is a pathogenic variant or a rare benign variant.